The following is an entry in ClinVar:

ClinVar aggregate classification (germline): Conflicting classifications of pathogenicity. Review status: criteria provided, conflicting classifications (1 of 4 stars). 4 submissions from 4 submitters: Uncertain significance (2); Likely benign (1). 1 of the submissions does not count toward it. Last evaluated 2025-07-15.

Conditions:
Inborn genetic diseases. Identifiers: MedGen C0950123, MeSH D030342.
Alpha thalassemia-X-linked intellectual disability syndrome (ATRX). Also called: ALPHA-THALASSEMIA/MENTAL RETARDATION SYNDROME, X-LINKED; ATR, NONDELETION TYPE; ATR-X syndrome; Alpha thalassemia mental retardation syndrome, nondeletion type, X-linked; XLMR hypotonic face syndrome; X-linked alpha-thalassemia-mental retardation syndrome. Identifiers: Orphanet 847, MedGen C1845055, MONDO:0010519, OMIM 301040.

Allele frequency attached by ClinVar (database versions not stated): ExAC 0.00002; gnomAD exomes 0.00001 and below 0.00001; gnomAD 0.00001; TOPMed 0.00001.
gnomAD v4.1: 5 of 1,207,174 alleles (0.00041%); highest among the groups gnomAD compares: Non-Finnish European, 0.00056%; no homozygotes.

Submissions (4):

Ambry Genetics
Classification: Uncertain significance for Inborn genetic diseases. Last evaluated: 2025-07-15. Review status: criteria provided, single submitter. Criteria: Ambry Variant Classification Scheme 2023. Collection method: clinical testing. Allele origin: germline.

Clinical Genomics Laboratory, Washington University in St. Louis
Classification: Uncertain significance for Alpha thalassemia-X-linked intellectual disability syndrome. Last evaluated: 2025-06-11. Review status: criteria provided, single submitter. Criteria: ACMG Guidelines, 2015. Collection method: clinical testing. Allele origin: germline.
Comment: The ATRX c.1366G>A (p.Asp456Asn) variant, to our knowledge, has not been reported in the medical literature but has been reported in the ClinVar database as a germline likely benign variant or variant of uncertain significance by two submitters. This variant is only observed in 1 hemizygous allele out of 182,675 alleles in the general population (gnomAD v.2.1.1), indicating it is not a common variant. Computational predictors suggest that the variant does not impact ATRX function. Due to limited information, and based on ACMG/AMP guidelines for variant interpretation (Richards S et al., PMID: 25741868), the clinical significance of this variant is uncertain at this time.

Labcorp Genetics (formerly Invitae), Labcorp
Classification: Likely benign for Alpha thalassemia-X-linked intellectual disability syndrome. Last evaluated: 2023-08-04. Review status: criteria provided, single submitter. Criteria: Invitae Variant Classification Sherloc (09022015). Collection method: clinical testing. Allele origin: germline.

Natera, Inc.
Classification: Uncertain significance for X-linked alpha-thalassemia-mental retardation syndrome. Last evaluated: 2020-05-05. Review status: no assertion criteria provided. Collection method: clinical testing. Allele origin: germline. Not counted in ClinVar's aggregate classification.

NM_000489.6(ATRX):c.1366G>A (p.Asp456Asn)

Gene: ATRX (ATRX chromatin remodeler; minus strand). Cytogenetic location: Xq21.1.
Variant type: single nucleotide variant.
Coding change: c.1366G>A on transcript NM_000489.6 (MANE Select); coding-DNA position 1366, G replaced by A.
Protein change: p.Asp456Asn; replaces aspartic acid 456 with asparagine.
Molecular consequence: missense variant.
Genome position (GRCh38, 1-based): chrX:77,683,890, C>T on the plus strand (G>A on the coding strand, the complement: ATRX is on the minus strand). VCF-style: chrX-77683890-C-T. GRCh37 (hg19) VCF-style: chrX-76939382-C-T.
Other names: c.1366G>A (NM_000489.3); c.1252G>A, p.Asp418Asn (NM_138270.5); short protein forms D418N, D456N.
Identifiers: ClinVar variation 1023399 (VCV001023399.15), dbSNP rs782313786, ClinGen allele CA10458209.